The following is an entry in ClinVar:

NM_001376.5(DYNC1H1):c.9449T>G (p.Val3150Gly)

Genes: DYNC1H1 (dynein cytoplasmic 1 heavy chain 1; plus strand), LOC126862060 (BRD4-independent group 4 enhancer GRCh37_chr14:102493659-102494858; plus strand). Cytogenetic location: 14q32.31.
Variant type: single nucleotide variant.
Coding change: c.9449T>G on transcript NM_001376.5 (MANE Select); coding-DNA position 9449, T replaced by G.
Protein change: p.Val3150Gly; replaces valine 3150 with glycine.
Molecular consequence: missense variant.
Genome position (GRCh38, 1-based): chr14:102,028,122, T>G. VCF-style: chr14-102028122-T-G. GRCh37 (hg19) VCF-style: chr14-102494459-T-G.
Other names: short protein forms V3150G.
Identifiers: ClinVar variation 1208364 (VCV001208364.4), dbSNP rs2152589394, ClinGen allele CA391014666.

ClinVar aggregate classification (germline): Uncertain significance (1 of 4 stars; one submission).

Submission:

GeneDx
Classification: Uncertain significance. Last evaluated: 2025-07-01. Review status: criteria provided, single submitter. Criteria: GeneDx Variant Classification Process June 2021. Collection method: clinical testing. Allele origin: germline. Affected: yes.
Comment: Not observed at significant frequency in large population cohorts (gnomAD); In silico analysis supports that this missense variant has a deleterious effect on protein structure/function; Has not been previously published as pathogenic or benign to our knowledge; This variant is associated with the following publications: (PMID: 26100331, 25512093, 25609763)